The following is an entry in ClinVar:

NM_016247.4(IMPG2):c.2558A>T (p.Glu853Val)

Gene: IMPG2 (interphotoreceptor matrix proteoglycan 2; minus strand). Cytogenetic location: 3q12.3.
Variant type: single nucleotide variant.
Coding change: c.2558A>T on transcript NM_016247.4 (MANE Select); coding-DNA position 2558, A replaced by T.
Protein change: p.Glu853Val; replaces glutamic acid 853 with valine.
Molecular consequence: missense variant.
Genome position (GRCh38, 1-based): chr3:101,243,773, T>A on the plus strand (A>T on the coding strand, the complement: IMPG2 is on the minus strand). VCF-style: chr3-101243773-T-A. GRCh37 (hg19) VCF-style: chr3-100962617-T-A.
Other names: short protein forms E853V.
Identifiers: ClinVar variation 2041860 (VCV002041860.3), dbSNP rs1291433355, ClinGen allele CA353856648.

ClinVar aggregate classification (germline): Uncertain significance (1 of 4 stars; one submission).

Allele frequency attached by ClinVar (database versions not stated): gnomAD exomes below 0.00001.
gnomAD v4.1: 1 of 1,613,992 alleles (0.000062%); highest among the groups gnomAD compares: Admixed American, 0.0017%; no homozygotes.

Submission:

Labcorp Genetics (formerly Invitae), Labcorp
Classification: Uncertain significance. Last evaluated: 2022-07-06. Review status: criteria provided, single submitter. Criteria: Invitae Variant Classification Sherloc (09022015). Collection method: clinical testing. Allele origin: germline.
Comment: This sequence change replaces glutamic acid, which is acidic and polar, with valine, which is neutral and non-polar, at codon 853 of the IMPG2 protein (p.Glu853Val). This variant is present in population databases (no rsID available, gnomAD 0.003%). This variant has not been reported in the literature in individuals affected with IMPG2-related conditions. Algorithms developed to predict the effect of missense changes on protein structure and function are either unavailable or do not agree on the potential impact of this missense change (SIFT: "Deleterious"; PolyPhen-2: "Benign"; Align-GVGD: "Class C35"). In summary, the available evidence is currently insufficient to determine the role of this variant in disease. Therefore, it has been classified as a Variant of Uncertain Significance.